The following is an entry in ClinVar:

ClinVar aggregate classification (germline): Conflicting classifications of pathogenicity. Review status: criteria provided, conflicting classifications (1 of 4 stars). 2 submissions from 2 submitters: Uncertain significance (1); Likely benign (1). Last evaluated 2023-09-17.

Conditions:
Inborn genetic diseases. Identifiers: MedGen C0950123, MeSH D030342.
Congenital myasthenic syndrome 8. Also called: MYASTHENIC SYNDROME, CONGENITAL, DUE TO AGRIN DEFICIENCY; Myasthenic syndrome, congenital, 8, with pre- and postsynaptic defects. Identifiers: Orphanet 590, MedGen C3808739, MONDO:0014052, OMIM 615120.

Allele frequency attached by ClinVar (database versions not stated): ExAC 0.00001; gnomAD 0.00001; gnomAD exomes 0.00001; TOPMed 0.00001.

Submissions (2):

Labcorp Genetics (formerly Invitae), Labcorp
Classification: Uncertain significance for Congenital myasthenic syndrome 8. Last evaluated: 2023-09-17. Review status: criteria provided, single submitter. Criteria: Invitae Variant Classification Sherloc (09022015). Collection method: clinical testing. Allele origin: germline.
Comment: In summary, the available evidence is currently insufficient to determine the role of this variant in disease. Therefore, it has been classified as a Variant of Uncertain Significance. This variant has not been reported in the literature in individuals affected with AGRN-related conditions. ClinVar contains an entry for this variant (Variation ID: 946119). Algorithms developed to predict the effect of missense changes on protein structure and function output the following: SIFT: "Not Available"; PolyPhen-2: "Possibly Damaging"; Align-GVGD: "Not Available". The serine amino acid residue is found in multiple mammalian species, which suggests that this missense change does not adversely affect protein function. Algorithms developed to predict the effect of sequence changes on RNA splicing suggest that this variant may disrupt the consensus splice site. This variant is present in population databases (rs771414620, gnomAD 0.006%). This sequence change replaces leucine, which is neutral and non-polar, with serine, which is neutral and polar, at codon 562 of the AGRN protein (p.Leu562Ser).

Ambry Genetics
Classification: Likely benign for Inborn genetic diseases. Last evaluated: 2022-01-26. Review status: criteria provided, single submitter. Criteria: Ambry Variant Classification Scheme 2023. Collection method: clinical testing. Allele origin: germline.

NM_198576.4(AGRN):c.1685T>C (p.Leu562Ser)

Gene: AGRN (agrin; plus strand). Cytogenetic location: 1p36.33.
Variant type: single nucleotide variant.
Coding change: c.1685T>C on transcript NM_198576.4 (MANE Select); coding-DNA position 1685, T replaced by C.
Protein change: p.Leu562Ser; replaces leucine 562 with serine.
Molecular consequence: missense variant.
Genome position (GRCh38, 1-based): chr1:1,043,619, T>C. VCF-style: chr1-1043619-T-C. GRCh37 (hg19) VCF-style: chr1-978999-T-C.
Other names: c.1685T>C, p.Leu562Ser (NM_001305275.2); c.1370T>C, p.Leu457Ser (NM_001364727.2); short protein forms L457S, L562S.
Identifiers: ClinVar variation 946119 (VCV000946119.10), dbSNP rs771414620, ClinGen allele CA508293.